The following is an entry in ClinVar:

NM_017654.4(SAMD9):c.3493G>C (p.Glu1165Gln)

Gene: SAMD9 (sterile alpha motif domain containing 9; minus strand). Cytogenetic location: 7q21.2.
Variant type: single nucleotide variant.
Coding change: c.3493G>C on transcript NM_017654.4 (MANE Select); coding-DNA position 3493, G replaced by C.
Protein change: p.Glu1165Gln; replaces glutamic acid 1165 with glutamine.
Molecular consequence: missense variant.
Genome position (GRCh38, 1-based): chr7:93,102,605, C>G on the plus strand (G>C on the coding strand, the complement: SAMD9 is on the minus strand). VCF-style: chr7-93102605-C-G. GRCh37 (hg19) VCF-style: chr7-92731918-C-G.
Other names: c.3493G>C, p.Glu1165Gln (NM_001193307.2); c.3493G>C (NM_017654.3); short protein forms E1165Q.
Identifiers: ClinVar variation 1969949 (VCV001969949.4), dbSNP rs149420683, ClinGen allele CA4342692.

ClinVar aggregate classification (germline): Uncertain significance. Review status: criteria provided, multiple submitters, no conflicts (2 of 4 stars). 2 submissions from 2 submitters: Uncertain significance (2). Last evaluated 2025-03-28.

Conditions:
Inborn genetic diseases. Identifiers: MedGen C0950123, MeSH D030342.

Allele frequency attached by ClinVar (database versions not stated): gnomAD exomes 0.00001; ESP Exome Variant Server 0.00008; ExAC 0.00001.
gnomAD v4.1: 20 of 1,613,816 alleles (0.0012%); highest among the groups gnomAD compares: Non-Finnish European, 0.0017%; no homozygotes.

Submissions (2):

Ambry Genetics
Classification: Uncertain significance for Inborn genetic diseases. Last evaluated: 2025-03-28. Review status: criteria provided, single submitter. Criteria: Ambry Variant Classification Scheme 2023. Collection method: clinical testing. Allele origin: germline.
Comment: The p.E1165Q variant (also known as c.3493G>C), located in coding exon 1 of the SAMD9 gene, results from a G to C substitution at nucleotide position 3493. The glutamic acid at codon 1165 is replaced by glutamine, an amino acid with highly similar properties. This amino acid position is conserved. In addition, this alteration is predicted to be tolerated by in silico analysis. Based on the available evidence, the clinical significance of this variant remains unclear.

Labcorp Genetics (formerly Invitae), Labcorp
Classification: Uncertain significance. Last evaluated: 2025-01-27. Review status: criteria provided, single submitter. Criteria: Invitae Variant Classification Sherloc (09022015). Collection method: clinical testing. Allele origin: germline.
Comment: This sequence change replaces glutamic acid, which is acidic and polar, with glutamine, which is neutral and polar, at codon 1165 of the SAMD9 protein (p.Glu1165Gln). This variant is present in population databases (rs149420683, gnomAD 0.0009%). This variant has not been reported in the literature in individuals affected with SAMD9-related conditions. ClinVar contains an entry for this variant (Variation ID: 1969949). Invitae Evidence Modeling of protein sequence and biophysical properties (such as structural, functional, and spatial information, amino acid conservation, physicochemical variation, residue mobility, and thermodynamic stability) has been performed for this missense variant. However, the output from this modeling did not meet the statistical confidence thresholds required to predict the impact of this variant on SAMD9 protein function. In summary, the available evidence is currently insufficient to determine the role of this variant in disease. Therefore, it has been classified as a Variant of Uncertain Significance.